The following is an entry in ClinVar:

NM_001478.5(B4GALNT1):c.1217C>A (p.Ala406Asp)

Gene: B4GALNT1 (beta-1,4-N-acetyl-galactosaminyltransferase 1; minus strand). Cytogenetic location: 12q13.3.
Variant type: single nucleotide variant.
Coding change: c.1217C>A on transcript NM_001478.5 (MANE Select); coding-DNA position 1217, C replaced by A.
Protein change: p.Ala406Asp; replaces alanine 406 with aspartic acid.
Molecular consequence: missense variant.
Genome position (GRCh38, 1-based): chr12:57,627,785, G>T on the plus strand (C>A on the coding strand, the complement: B4GALNT1 is on the minus strand). VCF-style: chr12-57627785-G-T. GRCh37 (hg19) VCF-style: chr12-58021568-G-T.
Other names: c.1052C>A, p.Ala351Asp (NM_001276468.2); short protein forms A351D, A406D.
Identifiers: ClinVar variation 1363113 (VCV001363113.8), dbSNP rs2140243098, ClinGen allele CA385494856.

ClinVar aggregate classification (germline): Uncertain significance (1 of 4 stars; one submission).

Conditions:
Spastic paraplegia. Identifiers: MedGen C0037772, HP:0001258.

Submission:

Labcorp Genetics (formerly Invitae), Labcorp
Classification: Uncertain significance for Spastic paraplegia. Last evaluated: 2021-06-22. Review status: criteria provided, single submitter. Criteria: Invitae Variant Classification Sherloc (09022015). Collection method: clinical testing. Allele origin: germline.
Comment: In summary, the available evidence is currently insufficient to determine the role of this variant in disease. Therefore, it has been classified as a Variant of Uncertain Significance. Algorithms developed to predict the effect of missense changes on protein structure and function (SIFT, PolyPhen-2, Align-GVGD) all suggest that this variant is likely to be tolerated, but these predictions have not been confirmed by published functional studies and their clinical significance is uncertain. This variant has not been reported in the literature in individuals with B4GALNT1-related conditions. This variant is not present in population databases (ExAC no frequency). This sequence change replaces alanine with aspartic acid at codon 406 of the B4GALNT1 protein (p.Ala406Asp). The alanine residue is moderately conserved and there is a moderate physicochemical difference between alanine and aspartic acid.